The following is an entry in ClinVar:

NM_007294.4(BRCA1):c.4097-15T>C

Gene: BRCA1 (BRCA1 DNA repair associated; minus strand). Cytogenetic location: 17q21.31.
Variant type: single nucleotide variant.
Coding change: c.4097-15T>C on transcript NM_007294.4 (MANE Select); 15 bases into the intron before coding-DNA position 4097, T replaced by C.
Molecular consequence: intron variant.
Genome position (GRCh38, 1-based): chr17:43,091,047, A>G on the plus strand (T>C on the coding strand, the complement: BRCA1 is on the minus strand). VCF-style: chr17-43091047-A-G. GRCh37 (hg19) VCF-style: chr17-41243064-A-G.
Other names: c.647-15T>C (NM_001408458.1, NM_001408469.1, NM_001408453.1 and 11 more transcripts); c.3209-15T>C (NM_001407967.1, NM_001407966.1); c.3716-15T>C (NM_001407959.1, NM_001407963.1, NM_001407960.1); c.3830-15T>C (NM_001407931.1, NM_001407932.1, NM_001407934.1 and 2 more transcripts); c.3953-15T>C (NM_001407747.1, NM_001407848.1, NM_001407839.1 and 20 more transcripts); c.3713-15T>C (NM_001407962.1); c.284-15T>C (NM_001408512.1); c.407-15T>C (NM_001408510.1); and 41 more.
Identifiers: ClinVar variation 415596 (VCV000415596.13), dbSNP rs1060504586, ClinGen allele CA16615665.

ClinVar aggregate classification (germline): Conflicting classifications of pathogenicity. Review status: criteria provided, conflicting classifications (1 of 4 stars). 2 submissions from 2 submitters: Uncertain significance (1); Likely benign (1). Last evaluated 2026-01-20.

Conditions:
Hereditary breast ovarian cancer syndrome. Also called: Breast and ovarian cancer; Hereditary breast and ovarian cancer; Hereditary breast and/or ovarian cancer syndrome; BRCA1- and BRCA2-Associated Hereditary Breast and Ovarian Cancer; Hereditary breast and ovarian cancer syndrome (HBOC); Hereditary breast and ovarian cancer syndrome. Identifiers: Orphanet 145, MedGen C0677776, MeSH D061325, MONDO:0003582. Disease mechanism: loss of function.

Submissions (2):

Labcorp Genetics (formerly Invitae), Labcorp
Classification: Likely benign for Hereditary breast ovarian cancer syndrome. Last evaluated: 2026-01-20. Review status: criteria provided, single submitter. Criteria: Invitae Variant Classification Sherloc (09022015). Collection method: clinical testing. Allele origin: germline.

GeneDx
Classification: Uncertain significance. Last evaluated: 2018-05-07. Review status: criteria provided, single submitter. Criteria: GeneDx Variant Classification (06012015). Collection method: clinical testing. Allele origin: germline. Affected: yes.
Comment: This apparently homozygous variant is denoted BRCA1 c.4097-15T>C or IVS10-15T>C and consists of a T>C nucleotide substitution at the -15 position of intron 10 of the BRCA1 gene. Using alternate nomenclature, this variant would be defined as BRCA1 4216-15T>C. In silico analysis, which includes splice predictors and evolutionary conservation, supports that this variant does not alter protein structure/function, and no splicing defect was identified on RT-PCR analysis by Thomassen et al. (2012). However, it was reported to segregate with breast cancer diagnoses in at least one family, and multifactorial likelihood analyses incorporating these data and co-occurrence information resulted in classification as a variant of uncertain significance (Thomassen 2012, Vallee 2016). This variant was not observed in large population cohorts (Lek 2016). Based on currently available evidence, it is unclear whether BRCA1 c.4097-15T>C is a pathogenic or benign variant. We consider it to be a variant of uncertain significance.